The following is an entry in ClinVar:

ClinVar aggregate classification (germline): Uncertain significance. Review status: criteria provided, multiple submitters, no conflicts (2 of 4 stars). 2 submissions from 2 submitters: Uncertain significance (2). Last evaluated 2025-08-04.

Conditions:
Inborn genetic diseases. Identifiers: MedGen C0950123, MeSH D030342.

Allele frequency attached by ClinVar (database versions not stated): TOPMed 0.00001.
gnomAD v4.1: 15 of 1,614,096 alleles (0.00093%); highest among the groups gnomAD compares: East Asian, 0.0022%; no homozygotes.

Submissions (2):

Ambry Genetics
Classification: Uncertain significance for Inborn genetic diseases. Last evaluated: 2025-08-04. Review status: criteria provided, single submitter. Criteria: Ambry Variant Classification Scheme 2023. Collection method: clinical testing. Allele origin: germline.

Labcorp Genetics (formerly Invitae), Labcorp
Classification: Uncertain significance. Last evaluated: 2022-10-28. Review status: criteria provided, single submitter. Criteria: Invitae Variant Classification Sherloc (09022015). Collection method: clinical testing. Allele origin: germline.
Comment: In summary, the available evidence is currently insufficient to determine the role of this variant in disease. Therefore, it has been classified as a Variant of Uncertain Significance. Advanced modeling of protein sequence and biophysical properties (such as structural, functional, and spatial information, amino acid conservation, physicochemical variation, residue mobility, and thermodynamic stability) performed at Invitae indicates that this missense variant is not expected to disrupt SRCAP protein function. This variant has not been reported in the literature in individuals affected with SRCAP-related conditions. This variant is present in population databases (rs754639611, gnomAD 0.01%). This sequence change replaces proline, which is neutral and non-polar, with glutamine, which is neutral and polar, at codon 3130 of the SRCAP protein (p.Pro3130Gln).

NM_006662.3(SRCAP):c.9389C>A (p.Pro3130Gln)

Gene: SRCAP (Snf2 related CREBBP activator protein; plus strand). Cytogenetic location: 16p11.2.
Variant type: single nucleotide variant.
Coding change: c.9389C>A on transcript NM_006662.3 (MANE Select); coding-DNA position 9389, C replaced by A.
Protein change: p.Pro3130Gln; replaces proline 3130 with glutamine.
Molecular consequence: missense variant.
Genome position (GRCh38, 1-based): chr16:30,739,429, C>A. VCF-style: chr16-30739429-C-A. GRCh37 (hg19) VCF-style: chr16-30750750-C-A.
Other names: c.9389C>A (NM_006662.2); short protein forms P3130Q.
Identifiers: ClinVar variation 2720084 (VCV002720084.4), dbSNP rs754639611, ClinGen allele CA8012905.